The following is an entry in ClinVar:

ClinVar aggregate classification (germline): Uncertain significance. Review status: criteria provided, multiple submitters, no conflicts (2 of 4 stars). 2 submissions from 2 submitters: Uncertain significance (2). Last evaluated 2024-01-12.

Conditions:
Spastic paraplegia. Identifiers: MedGen C0037772, HP:0001258.

Allele frequency attached by ClinVar (database versions not stated): gnomAD exomes 0.00004; ExAC 0.00005; TOPMed 0.00006; ESP Exome Variant Server 0.00015.

Submissions (2):

Ambry Genetics
Classification: Uncertain significance. Last evaluated: 2024-01-12. Review status: criteria provided, single submitter. Criteria: Ambry Variant Classification Scheme 2023. Collection method: clinical testing. Allele origin: germline.

Labcorp Genetics (formerly Invitae), Labcorp
Classification: Uncertain significance for Spastic paraplegia. Last evaluated: 2023-09-11. Review status: criteria provided, single submitter. Criteria: Invitae Variant Classification Sherloc (09022015). Collection method: clinical testing. Allele origin: germline.
Comment: This sequence change replaces arginine, which is basic and polar, with glutamine, which is neutral and polar, at codon 381 of the ARSI protein (p.Arg381Gln). In summary, the available evidence is currently insufficient to determine the role of this variant in disease. Therefore, it has been classified as a Variant of Uncertain Significance. Advanced modeling of protein sequence and biophysical properties (such as structural, functional, and spatial information, amino acid conservation, physicochemical variation, residue mobility, and thermodynamic stability) performed at Invitae indicates that this missense variant is not expected to disrupt ARSI protein function. ClinVar contains an entry for this variant (Variation ID: 1001859). This variant has not been reported in the literature in individuals affected with ARSI-related conditions. This variant is present in population databases (rs140998209, gnomAD 0.01%).

NM_001012301.4(ARSI):c.1142G>A (p.Arg381Gln)

Gene: ARSI (arylsulfatase family member I; minus strand). Cytogenetic location: 5q32.
Variant type: single nucleotide variant.
Coding change: c.1142G>A on transcript NM_001012301.4 (MANE Select); coding-DNA position 1142, G replaced by A.
Protein change: p.Arg381Gln; replaces arginine 381 with glutamine.
Molecular consequence: missense variant.
Genome position (GRCh38, 1-based): chr5:150,297,782, C>T on the plus strand (G>A on the coding strand, the complement: ARSI is on the minus strand). VCF-style: chr5-150297782-C-T. GRCh37 (hg19) VCF-style: chr5-149677345-C-T.
Other names: c.1142G>A (NM_001012301.2); short protein forms R381Q.
Identifiers: ClinVar variation 1001859 (VCV001001859.8), dbSNP rs140998209, ClinGen allele CA3510156.
Genomic context (GRCh38, chr5:150,297,782, plus strand): 5'-TGCTGGGCATGGTTGTAGAGTGGGTCAATGTTGTGCAGGATCTCCGTGCGTGGTGAGGCC[C>T]GGCCCTCGCTGATGGCCGGCCACACGTCGTAGCCATCTAGCCCATCGGCTGCTGAGGTGG-3'
Protein context (NP_001012301.1, residues 371-391): YDVWPAISEG[Arg381Gln]ASPRTEILHN